The following is an entry in ClinVar:

NM_025114.4(CEP290):c.7021C>A (p.Leu2341Ile)

Gene: CEP290 (centrosomal protein 290; minus strand). Cytogenetic location: 12q21.32.
Variant type: single nucleotide variant.
Coding change: c.7021C>A on transcript NM_025114.4 (MANE Select); coding-DNA position 7021, C replaced by A.
Protein change: p.Leu2341Ile; replaces leucine 2341 with isoleucine.
Molecular consequence: missense variant.
Genome position (GRCh38, 1-based): chr12:88,054,353, G>T on the plus strand (C>A on the coding strand, the complement: CEP290 is on the minus strand). VCF-style: chr12-88054353-G-T. GRCh37 (hg19) VCF-style: chr12-88448130-G-T.
Other names: short protein forms L2341I.
Identifiers: ClinVar variation 3752897 (VCV003752897.2).
Genomic context (GRCh38, chr12:88,054,353, plus strand): 5'-TTTTTTTAAAGAAAAAAACAAAGTAGTCATATGAATACATGATGTACCTAAGAACTTGAA[G>T]CTCCCGTTTAAGGCCTTGCTCTGTCTCAGCACCTTCAGGAACATGTTTAAGAATCTTAAT-3'
Protein context (NP_079390.3, residues 2331-2351): AETEQGLKRE[Leu2341Ile]QVLRLANHQL

ClinVar aggregate classification (germline): Uncertain significance (1 of 4 stars; one submission).

Conditions:
Joubert syndrome. Also called: CEREBELLOPARENCHYMAL DISORDER IV; JOUBERT-BOLTSHAUSER SYNDROME; Familial aplasia of the vermis. Identifiers: Orphanet 475, MedGen C5979921, MONDO:0018772.
Nephronophthisis. Also called: Juvenile Nephronophthisis. Identifiers: Orphanet 655, MedGen C0687120, MONDO:0019005, HP:0000090.
Meckel-Gruber syndrome. Also called: DYSENCEPHALIA SPLANCHNOCYSTICA; GRUBER SYNDROME; Dysencephalia splachnocystica. Identifiers: Orphanet 564, MedGen C0265215, MONDO:0018921.

Submission:

Labcorp Genetics (formerly Invitae), Labcorp
Classification: Uncertain significance for Joubert syndrome; Meckel-Gruber syndrome; Nephronophthisis. Last evaluated: 2024-08-13. Review status: criteria provided, single submitter. Criteria: Invitae Variant Classification Sherloc (09022015). Collection method: clinical testing. Allele origin: germline.
Comment: This sequence change replaces leucine, which is neutral and non-polar, with isoleucine, which is neutral and non-polar, at codon 2341 of the CEP290 protein (p.Leu2341Ile). This variant is not present in population databases (gnomAD no frequency). This variant has not been reported in the literature in individuals affected with CEP290-related conditions. An algorithm developed to predict the effect of missense changes on protein structure and function (PolyPhen-2) suggests that this variant is likely to be tolerated. In summary, the available evidence is currently insufficient to determine the role of this variant in disease. Therefore, it has been classified as a Variant of Uncertain Significance.